The following is an entry in ClinVar:

NM_006158.5(NEFL):c.1284G>C (p.Gln428His)

Gene: NEFL (neurofilament light chain; minus strand). Cytogenetic location: 8p21.2.
Variant type: single nucleotide variant.
Coding change: c.1284G>C on transcript NM_006158.5 (MANE Select); coding-DNA position 1284, G replaced by C.
Protein change: p.Gln428His; replaces glutamine 428 with histidine.
Molecular consequence: missense variant.
Genome position (GRCh38, 1-based): chr8:24,953,681, C>G on the plus strand (G>C on the coding strand, the complement: NEFL is on the minus strand). VCF-style: chr8-24953681-C-G. GRCh37 (hg19) VCF-style: chr8-24811195-C-G.
Other names: short protein forms Q428H.
Identifiers: ClinVar variation 1309440 (VCV001309440.5), dbSNP rs931901985, ClinGen allele CA174058727.

ClinVar aggregate classification (germline): Uncertain significance. Review status: criteria provided, multiple submitters, no conflicts (2 of 4 stars). 3 submissions from 3 submitters: Uncertain significance (3). Last evaluated 2025-12-29.

Conditions:
Inborn genetic diseases. Identifiers: MedGen C0950123, MeSH D030342.
Charcot-Marie-Tooth disease type 2E (CMT2E). Also called: CHARCOT-MARIE-TOOTH NEUROPATHY, TYPE 2E; CHARCOT-MARIE-TOOTH DISEASE, AXONAL, TYPE 2E. Identifiers: Orphanet 99939, MedGen C1843225, MONDO:0011894, OMIM 607684.

Submissions (3):

Labcorp Genetics (formerly Invitae), Labcorp
Classification: Uncertain significance for Charcot-Marie-Tooth disease type 2E. Last evaluated: 2025-12-29. Review status: criteria provided, single submitter. Criteria: Invitae Variant Classification Sherloc (09022015). Collection method: clinical testing. Allele origin: germline.
Comment: This sequence change replaces glutamine, which is neutral and polar, with histidine, which is basic and polar, at codon 428 of the NEFL protein (p.Gln428His). This variant is not present in population databases (gnomAD no frequency). This variant has not been reported in the literature in individuals affected with NEFL-related conditions. ClinVar contains an entry for this variant (Variation ID: 1309440). Invitae Evidence Modeling of protein sequence and biophysical properties (such as structural, functional, and spatial information, amino acid conservation, physicochemical variation, residue mobility, and thermodynamic stability) has been performed for this missense variant. However, the output from this modeling did not meet the statistical confidence thresholds required to predict the impact of this variant on NEFL protein function. In summary, the available evidence is currently insufficient to determine the role of this variant in disease. Therefore, it has been classified as a Variant of Uncertain Significance.

Ambry Genetics
Classification: Uncertain significance for Inborn genetic diseases. Last evaluated: 2023-12-28. Review status: criteria provided, single submitter. Criteria: Ambry Variant Classification Scheme 2023. Collection method: clinical testing. Allele origin: germline.

GeneDx
Classification: Uncertain significance. Last evaluated: 2019-10-21. Review status: criteria provided, single submitter. Criteria: GeneDx Variant Classification Process June 2021. Collection method: clinical testing. Allele origin: germline. Affected: yes.
Comment: Not observed in large population cohorts (Lek et al., 2016); In silico analysis, which includes protein predictors and evolutionary conservation, supports that this variant does not alter protein structure/function; Has not been previously published as pathogenic or benign to our knowledge